The following is an entry in ClinVar:

NM_000337.6(SGCD):c.298A>T (p.Asn100Tyr)

Gene: SGCD (sarcoglycan delta; plus strand). Cytogenetic location: 5q33.3.
Variant type: single nucleotide variant.
Coding change: c.298A>T on transcript NM_000337.6 (MANE Select); coding-DNA position 298, A replaced by T.
Protein change: p.Asn100Tyr; replaces asparagine 100 with tyrosine.
Molecular consequence: missense variant.
Genome position (GRCh38, 1-based): chr5:156,589,234, A>T. VCF-style: chr5-156589234-A-T. GRCh37 (hg19) VCF-style: chr5-156016244-A-T.
Other names: c.295A>T, p.Asn99Tyr (NM_001128209.2); c.298A>T, p.Asn100Tyr (NM_172244.3); short protein forms N99Y, N100Y.
Identifiers: ClinVar variation 2009115 (VCV002009115.4), dbSNP rs1436273126, ClinGen allele CA362008459.

ClinVar aggregate classification (germline): Uncertain significance (1 of 4 stars; one submission).

Conditions:
Autosomal recessive limb-girdle muscular dystrophy type 2F (LGMDR6). Also called: MUSCULAR DYSTROPHY, LIMB-GIRDLE, AUTOSOMAL RECESSIVE 6; Muscular dystrophy limb-girdle with delta-sarcoglyan deficiency. Identifiers: Orphanet 219, MedGen C1832525, MONDO:0011028, OMIM 601287. Disease mechanism: Affects gamma-sarcoglycan and also disrupts the integrity of the entire sarcoglycan complex..

Submission:

Labcorp Genetics (formerly Invitae), Labcorp
Classification: Uncertain significance for Autosomal recessive limb-girdle muscular dystrophy type 2F. Last evaluated: 2022-06-22. Review status: criteria provided, single submitter. Criteria: Invitae Variant Classification Sherloc (09022015). Collection method: clinical testing. Allele origin: germline.
Comment: Algorithms developed to predict the effect of missense changes on protein structure and function are either unavailable or do not agree on the potential impact of this missense change (SIFT: "Deleterious"; PolyPhen-2: "Possibly Damaging"; Align-GVGD: "Class C0"). This sequence change replaces asparagine, which is neutral and polar, with tyrosine, which is neutral and polar, at codon 100 of the SGCD protein (p.Asn100Tyr). This variant is not present in population databases (gnomAD no frequency). This variant has not been reported in the literature in individuals affected with SGCD-related conditions. In summary, the available evidence is currently insufficient to determine the role of this variant in disease. Therefore, it has been classified as a Variant of Uncertain Significance.